The following is an entry in ClinVar:

ClinVar aggregate classification (germline): Uncertain significance (1 of 4 stars; one submission).

gnomAD v4.1: 16 of 1,614,126 alleles (0.00099%); highest among the groups gnomAD compares: East Asian, 0.022%; no homozygotes.

Submission:

GeneDx
Classification: Uncertain significance. Last evaluated: 2024-09-09. Review status: criteria provided, single submitter. Criteria: GeneDx Variant Classification Process June 2021. Collection method: clinical testing. Allele origin: germline. Affected: yes.
Comment: Reported in association with hearing loss in published literature (PMID: 37009795); however, patient clinical information not provided; Published functional studies demonstrate a damaging effect in which channel current is significantly reduced compared to wildtype (PMID: 37009795); In silico analysis indicates that this missense variant does not alter protein structure/function; This variant is associated with the following publications: (PMID: 37009795)

NM_004700.4(KCNQ4):c.2071A>G (p.Ser691Gly)

Gene: KCNQ4 (potassium voltage-gated channel subfamily Q member 4; plus strand). Cytogenetic location: 1p34.2.
Variant type: single nucleotide variant.
Coding change: c.2071A>G on transcript NM_004700.4 (MANE Select); coding-DNA position 2071, A replaced by G.
Protein change: p.Ser691Gly; replaces serine 691 with glycine.
Molecular consequence: missense variant.
Genome position (GRCh38, 1-based): chr1:40,838,506, A>G. VCF-style: chr1-40838506-A-G. GRCh37 (hg19) VCF-style: chr1-41304178-A-G.
Other names: c.1909A>G, p.Ser637Gly (NM_172163.3); short protein forms S637G, S691G.
Identifiers: ClinVar variation 3767765 (VCV003767765.1).
Genomic context (GRCh38, chr1:40,838,506, plus strand): 5'-CCTGTGGACCACGAGGACATCTCCGTCTCCGCACAGACGCTCAGCATCTCCCGCTCGGTC[A>G]GCACCAACATGGACTGAGGGACTTCTCAGAGGCAGGGCAGCACACGGCCAGCCCCGCGGC-3'
Protein context (NP_004691.2, residues 681-695): AQTLSISRSV[Ser691Gly]TNMD